The following is an entry in ClinVar:

ClinVar aggregate classification (germline): Conflicting classifications of pathogenicity. Review status: criteria provided, conflicting classifications (1 of 4 stars). 4 submissions from 4 submitters: Uncertain significance (1); Likely benign (3). Last evaluated 2024-07-03.

Conditions:
Familial hemophagocytic lymphohistiocytosis 2 (FHL2). Also called: PRF1-Related Familial Hemophagocytic Lymphohistiocytosis (PRF1-fHLH). Identifiers: Orphanet 540, MedGen C1863727, MONDO:0011337, OMIM 603553.

Allele frequency attached by ClinVar (database versions not stated): gnomAD exomes 0.00002 and 0.00005; ExAC 0.00003; TOPMed 0.00004; gnomAD 0.00005 and 0.00006.
gnomAD v4.1: 76 of 1,613,792 alleles (0.0047%); highest among the groups gnomAD compares: Non-Finnish European, 0.0063%; no homozygotes.

Submissions (4):

Labcorp Genetics (formerly Invitae), Labcorp
Classification: Likely benign for Familial hemophagocytic lymphohistiocytosis 2. Last evaluated: 2024-07-03. Review status: criteria provided, single submitter. Criteria: Invitae Variant Classification Sherloc (09022015). Collection method: clinical testing. Allele origin: germline.

Blueprint Genetics
Classification: Likely benign. Last evaluated: 2024-05-08. Review status: criteria provided, single submitter. Criteria: ACMG Guidelines, 2015. Collection method: clinical testing. Allele origin: germline.

CeGaT Center for Human Genetics Tuebingen
Classification: Likely benign. Last evaluated: 2022-09-01. Review status: criteria provided, single submitter. Criteria: CeGaT Center For Human Genetics Tuebingen Variant Classification Criteria Version 2. Collection method: clinical testing. Allele origin: germline. Affected: yes. Observed: 1 variant allele.
Comment: PRF1: BP4, BP7

Illumina Laboratory Services, Illumina
Classification: Uncertain significance for Familial hemophagocytic lymphohistiocytosis 2. Last evaluated: 2017-04-27. Review status: criteria provided, single submitter. Criteria: ICSL Variant Classification Criteria 13 December 2019. Collection method: clinical testing. Allele origin: germline.

NM_001083116.3(PRF1):c.189A>C (p.Thr63=)

Gene: PRF1 (perforin 1; minus strand). Cytogenetic location: 10q22.1.
Variant type: single nucleotide variant.
Coding change: c.189A>C on transcript NM_001083116.3 (MANE Select); coding-DNA position 189, A replaced by C.
Protein change: p.Thr63=; no amino-acid change (threonine 63 retained).
Molecular consequence: synonymous variant.
Genome position (GRCh38, 1-based): chr10:70,600,714, T>G on the plus strand (A>C on the coding strand, the complement: PRF1 is on the minus strand). VCF-style: chr10-70600714-T-G. GRCh37 (hg19) VCF-style: chr10-72360470-T-G.
Other names: c.189A>C, p.Thr63= (NM_005041.6).
Identifiers: ClinVar variation 756817 (VCV000756817.38), dbSNP rs759983785, ClinGen allele CA5539105.
Genomic context (GRCh38, chr10:70,600,714, plus strand): 5'-GCCCTCCTGTAGGGCATTTTCACAGAGGGTGCAGGTGCCGTCGGGCCGCAGGAACCTTTG[T>G]GTGTCCACTGGGAAGGAGCCCGAGCGGCGGAGGCTGGTCACGTCCACACCCTCCCCGGCC-3'
Protein context (NP_001076585.1, residues 53-73): LRRSGSFPVD[Thr63=]QRFLRPDGTC